The following is an entry in ClinVar:

NM_001130823.3(DNMT1):c.625A>C (p.Ile209Leu)

Gene: DNMT1 (DNA methyltransferase 1; minus strand). Cytogenetic location: 19p13.2.
Variant type: single nucleotide variant.
Coding change: c.625A>C on transcript NM_001130823.3 (MANE Select); coding-DNA position 625, A replaced by C.
Protein change: p.Ile209Leu; replaces isoleucine 209 with leucine.
Molecular consequence: missense variant.
Genome position (GRCh38, 1-based): chr19:10,175,563, T>G on the plus strand (A>C on the coding strand, the complement: DNMT1 is on the minus strand). VCF-style: chr19-10175563-T-G. GRCh37 (hg19) VCF-style: chr19-10286239-T-G.
Other names: c.577A>C, p.Ile193Leu (NM_001318730.2, NM_001379.4); c.262A>C, p.Ile88Leu (NM_001318731.2); short protein forms I88L, I209L, I193L.
Identifiers: ClinVar variation 1475575 (VCV001475575.6), dbSNP rs751913403, ClinGen allele CA9188682.

ClinVar aggregate classification (germline): Uncertain significance (1 of 4 stars; one submission).

Conditions:
Hereditary sensory neuropathy-deafness-dementia syndrome. Also called: Hereditary sensory neuropathy type IE; NEUROPATHY, HEREDITARY SENSORY, WITH HEARING LOSS AND DEMENTIA; HSN IE; Hereditary Sensory and Autonomic Neuropathy Type 1E (HSAN1E). Identifiers: Orphanet 456318, MedGen C3279885, MONDO:0013584, OMIM 614116.

Allele frequency attached by ClinVar (database versions not stated): gnomAD 0.00001; TOPMed 0.00002.
gnomAD v4.1: 1 of 1,613,948 alleles (0.000062%); highest among the groups gnomAD compares: African/African-American, 0.0013%; no homozygotes.

Submission:

Labcorp Genetics (formerly Invitae), Labcorp
Classification: Uncertain significance for Hereditary sensory neuropathy-deafness-dementia syndrome. Last evaluated: 2021-10-08. Review status: criteria provided, single submitter. Criteria: Invitae Variant Classification Sherloc (09022015). Collection method: clinical testing. Allele origin: germline.
Comment: In summary, the available evidence is currently insufficient to determine the role of this variant in disease. Therefore, it has been classified as a Variant of Uncertain Significance. Algorithms developed to predict the effect of missense changes on protein structure and function (SIFT, PolyPhen-2, Align-GVGD) all suggest that this variant is likely to be tolerated. This variant has not been reported in the literature in individuals affected with DNMT1-related conditions. This variant is present in population databases (rs751913403, ExAC 0.001%). This sequence change replaces isoleucine with leucine at codon 209 of the DNMT1 protein (p.Ile209Leu). The isoleucine residue is weakly conserved and there is a small physicochemical difference between isoleucine and leucine.